The following is an entry in ClinVar:

NM_001042646.3(TRAK1):c.826G>T (p.Asp276Tyr)

Gene: TRAK1 (trafficking kinesin protein 1; plus strand). Cytogenetic location: 3p22.1.
Variant type: single nucleotide variant.
Coding change: c.826G>T on transcript NM_001042646.3 (MANE Select); coding-DNA position 826, G replaced by T.
Protein change: p.Asp276Tyr; replaces aspartic acid 276 with tyrosine.
Molecular consequence: missense variant. On other transcripts: non-coding transcript variant (1).
Genome position (GRCh38, 1-based): chr3:42,193,131, G>T. VCF-style: chr3-42193131-G-T. GRCh37 (hg19) VCF-style: chr3-42234623-G-T.
Other names: c.826G>T, p.Asp276Tyr (NM_001265608.2, NM_001349246.2, NM_001349247.2); c.604G>T, p.Asp202Tyr (NM_001265609.2, NM_001265610.1, NM_001349248.1 and 1 more transcripts); c.514G>T, p.Asp172Tyr (NM_001349245.1); c.652G>T, p.Asp218Tyr (NM_014965.5); short protein forms D172Y, D202Y, D276Y, D218Y.
Identifiers: ClinVar variation 1386663 (VCV001386663.6), dbSNP rs2149434745, ClinGen allele CA352243083.

ClinVar aggregate classification (germline): Uncertain significance (1 of 4 stars; one submission).

Submission:

Labcorp Genetics (formerly Invitae), Labcorp
Classification: Uncertain significance. Last evaluated: 2023-11-27. Review status: criteria provided, single submitter. Criteria: Invitae Variant Classification Sherloc (09022015). Collection method: clinical testing. Allele origin: germline.
Comment: This sequence change replaces aspartic acid, which is acidic and polar, with tyrosine, which is neutral and polar, at codon 276 of the TRAK1 protein (p.Asp276Tyr). This variant is not present in population databases (gnomAD no frequency). This variant has not been reported in the literature in individuals affected with TRAK1-related conditions. ClinVar contains an entry for this variant (Variation ID: 1386663). An algorithm developed to predict the effect of missense changes on protein structure and function (PolyPhen-2) suggests that this variant is likely to be disruptive. In summary, the available evidence is currently insufficient to determine the role of this variant in disease. Therefore, it has been classified as a Variant of Uncertain Significance.